The following is an entry in ClinVar:

NM_006734.4(HIVEP2):c.272C>T (p.Pro91Leu)

Gene: HIVEP2 (HIVEP zinc finger 2; minus strand). Cytogenetic location: 6q24.2.
Variant type: single nucleotide variant.
Coding change: c.272C>T on transcript NM_006734.4 (MANE Select); coding-DNA position 272, C replaced by T.
Protein change: p.Pro91Leu; replaces proline 91 with leucine.
Molecular consequence: missense variant.
Genome position (GRCh38, 1-based): chr6:142,774,467, G>A on the plus strand (C>T on the coding strand, the complement: HIVEP2 is on the minus strand). VCF-style: chr6-142774467-G-A. GRCh37 (hg19) VCF-style: chr6-143095604-G-A.
Other names: short protein forms P91L.
Identifiers: ClinVar variation 2689210 (VCV002689210.6), dbSNP rs2482857854, ClinGen allele CA365916421.

ClinVar aggregate classification (germline): Conflicting classifications of pathogenicity. Review status: criteria provided, conflicting classifications (1 of 4 stars). 3 submissions from 3 submitters: Uncertain significance (2); Likely benign (1). Last evaluated 2024-09-20.

Conditions:
Intellectual developmental disorder, autosomal dominant 43. Also called: Intellectual disability, autosomal dominant 43. Identifiers: MedGen C4707429, MONDO:0014858, OMIM 616977.

Submissions (3):

3billion
Classification: Likely benign for Intellectual developmental disorder, autosomal dominant 43. Last evaluated: 2024-09-20. Review status: criteria provided, single submitter. Criteria: ACMG Guidelines, 2015. Collection method: clinical testing. Allele origin: germline. Affected: no.
Comment: The variant was identified in at least one patient who was diagnosed with a different variant in another gene and showed no symptoms related to the gene containing the variant in question.

Labcorp Genetics (formerly Invitae), Labcorp
Classification: Uncertain significance. Last evaluated: 2023-09-03. Review status: criteria provided, single submitter. Criteria: Invitae Variant Classification Sherloc (09022015). Collection method: clinical testing. Allele origin: germline.
Comment: In summary, the available evidence is currently insufficient to determine the role of this variant in disease. Therefore, it has been classified as a Variant of Uncertain Significance. Advanced modeling of protein sequence and biophysical properties (such as structural, functional, and spatial information, amino acid conservation, physicochemical variation, residue mobility, and thermodynamic stability) performed at Invitae indicates that this missense variant is not expected to disrupt HIVEP2 protein function. This variant has not been reported in the literature in individuals affected with HIVEP2-related conditions. This variant is not present in population databases (gnomAD no frequency). This sequence change replaces proline, which is neutral and non-polar, with leucine, which is neutral and non-polar, at codon 91 of the HIVEP2 protein (p.Pro91Leu).

Revvity Omics, Revvity
Classification: Uncertain significance for Intellectual developmental disorder, autosomal dominant 43. Last evaluated: 2023-03-29. Review status: criteria provided, single submitter. Criteria: ACMG Guidelines, 2015. Collection method: clinical testing. Allele origin: germline.